The following is an entry in ClinVar:

NM_000257.4(MYH7):c.5727G>A (p.Arg1909=)

Gene: MYH7 (myosin heavy chain 7; minus strand). Cytogenetic location: 14q11.2.
Variant type: single nucleotide variant.
Coding change: c.5727G>A on transcript NM_000257.4 (MANE Select); coding-DNA position 5727, G replaced by A.
Protein change: p.Arg1909=; no amino-acid change (arginine 1909 retained).
Molecular consequence: synonymous variant.
Genome position (GRCh38, 1-based): chr14:23,413,822, C>T on the plus strand (G>A on the coding strand, the complement: MYH7 is on the minus strand). VCF-style: chr14-23413822-C-T. GRCh37 (hg19) VCF-style: chr14-23883031-C-T.
Other names: c.5727G>A (LRG_384t1).
Identifiers: ClinVar variation 263705 (VCV000263705.24), dbSNP rs761750159, ClinGen allele CA048076.

ClinVar aggregate classification (germline): Likely benign. Review status: criteria provided, multiple submitters, no conflicts (2 of 4 stars). 6 submissions from 6 submitters: Likely benign (6). Last evaluated 2025-12-28.

Conditions:
Cardiovascular phenotype. Identifiers: MedGen CN230736.
Cardiomyopathy (CMYO). Also called: Cardiomyopathies. Identifiers: Orphanet 167848, MedGen C0878544, MONDO:0004994, HP:0001638. Inheritance: Various modes of inheritance.
Hypertrophic cardiomyopathy. Also called: HYPERTROPHIC MYOCARDIOPATHY. Identifiers: Orphanet 217569, MedGen C0007194, MeSH D002312, MONDO:0005045, HP:0001639.

Allele frequency attached by ClinVar (database versions not stated): gnomAD 0.00001; ExAC 0.00002; gnomAD exomes 0.00003; TOPMed 0.00005.

Submissions (6):

Labcorp Genetics (formerly Invitae), Labcorp
Classification: Likely benign for Hypertrophic cardiomyopathy. Last evaluated: 2025-12-28. Review status: criteria provided, single submitter. Criteria: Invitae Variant Classification Sherloc (09022015). Collection method: clinical testing. Allele origin: germline.

CeGaT Center for Human Genetics Tuebingen
Classification: Likely benign. Last evaluated: 2025-12-01. Review status: criteria provided, single submitter. Criteria: CeGaT Center For Human Genetics Tuebingen Variant Classification Criteria Version 2. Collection method: clinical testing. Allele origin: germline. Affected: yes. Observed: 1 variant allele.
Comment: MYH7: BP4, BP7

Molecular Diagnostic Laboratory for Inherited Cardiovascular Disease, Montreal Heart Institute
Classification: Likely benign. Last evaluated: 2025-04-09. Review status: criteria provided, single submitter. Criteria: ACMG Guidelines, 2015. Collection method: clinical testing. Allele origin: germline. Affected: no.
Comment: BP7

All of Us Research Program, National Institutes of Health
Classification: Likely benign for Cardiomyopathy. Last evaluated: 2024-09-23. Review status: criteria provided, single submitter. Criteria: ACMG Guidelines, 2015. Collection method: clinical testing. Allele origin: germline. Inheritance: Autosomal dominant inheritance. Observed: 6 variant alleles, 6 heterozygotes.
Comment: This study involves interpretation of variants in research participants for the purpose of population health screening. Participant phenotype was not available at the time of variant classification. Additional details can be found in publication PMID: 35346344, PMCID: PMC8962531

Ambry Genetics
Classification: Likely benign for Cardiovascular phenotype. Last evaluated: 2020-12-08. Review status: criteria provided, single submitter. Criteria: Ambry Variant Classification Scheme 2023. Collection method: clinical testing. Allele origin: germline.

Color Diagnostics, LLC DBA Color Health
Classification: Likely benign for Cardiomyopathy. Last evaluated: 2019-05-20. Review status: criteria provided, single submitter. Criteria: ACMG Guidelines, 2015. Collection method: clinical testing. Allele origin: germline.